The following is an entry in ClinVar:

NC_000001.10:g.(?_10041069)_(10042759_?)del

Gene: NMNAT1 (nicotinamide nucleotide adenylyltransferase 1; plus strand). Cytogenetic location: 1p36.22.
Variant type: Deletion.
Identifiers: ClinVar variation 2426777 (VCV002426777.3).

ClinVar aggregate classification (germline): Pathogenic (1 of 4 stars; one submission).

Conditions:
Leber congenital amaurosis 9 (LCA9). Also called: LCA9 Leber Congenital Amaurosis; LCA 9; Amaurosis congenita of Leber, type 9. Identifiers: Orphanet 65, MedGen C1837873, MONDO:0012056, OMIM 608553.

Submission:

Labcorp Genetics (formerly Invitae), Labcorp
Classification: Pathogenic for Leber congenital amaurosis 9. Last evaluated: 2022-10-04. Review status: criteria provided, single submitter. Criteria: Invitae Variant Classification Sherloc (09022015). Collection method: clinical testing. Allele origin: germline.
Comment: This variant is a gross deletion of the genomic region encompassing exon(s) 4-5 of the NMNAT1 gene, which includes the termination codon. This deletion extends beyond the assayed region for this gene and therefore may encompass additional genes. While this deletion is not anticipated to lead to nonsense mediated decay, it is expected to alter mRNA translation or result in a truncated protein product. A similar copy number variant has been observed in individuals with Leber congenital amaurosis and/or retinitis pigmentosa (PMID: 26316326; Invitae). For these reasons, this variant has been classified as Pathogenic.

Literature cited by the submitters: PubMed 26316326.